The following is an entry in ClinVar:

NM_032043.3(BRIP1):c.315A>G (p.Ser105=)

Gene: BRIP1 (BRCA1 interacting DNA helicase 1; minus strand). Cytogenetic location: 17q23.2.
Variant type: single nucleotide variant.
Coding change: c.315A>G on transcript NM_032043.3 (MANE Select); coding-DNA position 315, A replaced by G.
Protein change: p.Ser105=; no amino-acid change (serine 105 retained).
Molecular consequence: synonymous variant.
Genome position (GRCh38, 1-based): chr17:61,857,122, T>C on the plus strand (A>G on the coding strand, the complement: BRIP1 is on the minus strand). VCF-style: chr17-61857122-T-C. GRCh37 (hg19) VCF-style: chr17-59934483-T-C.
Identifiers: ClinVar variation 481663 (VCV000481663.13), dbSNP rs1555617827, ClinGen allele CA501151378.
Genomic context (GRCh38, chr17:61,857,122, plus strand): 5'-ACAAGTTGATGAAGTGCCATTTCTTTCAGAAGGTGGTGTGCTTGGATAGTTGAAATGACG[T>C]GAAGTTCCTTGGTTCATGTCATTGTTTGTAAAATCCTTTGAATGGCATGCACAACAACAT-3'
Protein context (NP_114432.2, residues 95-115): FTNNDMNQGT[Ser105=]RHFNYPSTPP

ClinVar aggregate classification (germline): Benign/Likely benign. Review status: criteria provided, multiple submitters, no conflicts (2 of 4 stars). 4 submissions from 4 submitters: Benign (1); Likely benign (3). Last evaluated 2024-08-21.

Conditions:
Fanconi anemia complementation group J. Also called: BRIP1-Related Fanconi Anemia. Identifiers: Orphanet 84, MedGen C1836860, MONDO:0012187, OMIM 609054.
Familial cancer of breast. Also called: BREAST CANCER, FAMILIAL; Hereditary breast cancer; hereditary breast carcinoma. Identifiers: Orphanet 227535, MedGen C0346153, MONDO:0016419, OMIM 114480. Disease mechanism: loss of function.
Hereditary cancer-predisposing syndrome. Also called: Hereditary neoplastic syndrome; Neoplastic Syndromes, Hereditary; Tumor predisposition; Hereditary Cancer Syndrome. Identifiers: Orphanet 140162, MedGen C0027672, MeSH D009386, MONDO:0015356.

Allele frequency attached by ClinVar (database versions not stated): TOPMed below 0.00001; gnomAD 0.00001.
gnomAD v4.1: 1 of 1,614,048 alleles (0.000062%); no homozygotes.

Submissions (4):

Myriad Genetics, Inc.
Classification: Benign for Familial cancer of breast. Last evaluated: 2024-08-21. Review status: criteria provided, single submitter. Criteria: Myriad Autosomal Dominant, Autosomal Recessive and X-Linked Classification Criteria (2023). Collection method: clinical testing. Allele origin: unknown.
Comment: This variant is considered benign. This variant is a silent/synonymous amino acid change and it is not expected to impact splicing.

Women's Health and Genetics/Laboratory Corporation of America, LabCorp
Classification: Likely benign. Last evaluated: 2023-09-14. Review status: criteria provided, single submitter. Criteria: LabCorp Variant Classification Summary - May 2015. Collection method: clinical testing. Allele origin: germline.

Labcorp Genetics (formerly Invitae), Labcorp
Classification: Likely benign for Familial cancer of breast; Fanconi anemia complementation group J. Last evaluated: 2020-11-18. Review status: criteria provided, single submitter. Criteria: Invitae Variant Classification Sherloc (09022015). Collection method: clinical testing. Allele origin: germline.

Ambry Genetics
Classification: Likely benign for Hereditary cancer-predisposing syndrome. Last evaluated: 2017-02-06. Review status: criteria provided, single submitter. Criteria: Ambry Variant Classification Scheme 2023. Collection method: clinical testing. Allele origin: germline.